The following is an entry in ClinVar:

NM_003036.4(SKI):c.892G>T (p.Ala298Ser)

Gene: SKI (SKI proto-oncogene; plus strand). Cytogenetic location: 1p36.33.
Variant type: single nucleotide variant.
Coding change: c.892G>T on transcript NM_003036.4 (MANE Select); coding-DNA position 892, G replaced by T.
Protein change: p.Ala298Ser; replaces alanine 298 with serine.
Molecular consequence: missense variant.
Genome position (GRCh38, 1-based): chr1:2,229,658, G>T. VCF-style: chr1-2229658-G-T. GRCh37 (hg19) VCF-style: chr1-2161097-G-T.
Other names: short protein forms A298S.
Identifiers: ClinVar variation 838492 (VCV000838492.11), dbSNP rs769113221, ClinGen allele CA536480.
Genomic context (GRCh38, chr1:2,229,658, plus strand): 5'-TCGGCCAACTGGCGGGCCTACATCCTGCTGAGCCAGGATTACACGGGCAAGGAGGAGCAG[G>T]CGCGCCTCGGCCGCTGCCTGGACGACGTGAAGGAGAAATTCGACTATGGCAACAAGTACA-3'
Protein context (NP_003027.1, residues 288-308): SQDYTGKEEQ[Ala298Ser]RLGRCLDDVK

ClinVar aggregate classification (germline): Uncertain significance. Review status: criteria provided, multiple submitters, no conflicts (2 of 4 stars). 3 submissions from 3 submitters: Uncertain significance (3). Last evaluated 2025-06-29.

Conditions:
Familial thoracic aortic aneurysm and aortic dissection (TAAD). Also called: Thoracic aortic aneurysms and dissections. Identifiers: Orphanet 91387, MedGen C4707243, MONDO:0019625.
Shprintzen-Goldberg syndrome (SGS). Also called: Marfanoid disorder with craniosynostosis type 1; Marfanoid craniosynostosis syndrome; Shprintzen-Goldberg marfanoid syndrome; SHPRINTZEN-GOLDBERG CRANIOSYNOSTOSIS SYNDROME; CRANIOSYNOSTOSIS WITH ARACHNODACTYLY AND ABDOMINAL HERNIAS. Identifiers: Orphanet 2462, MedGen C1321551, MONDO:0008426, OMIM 182212.

Allele frequency attached by ClinVar (database versions not stated): ExAC 0.00001; gnomAD 0.00003 and 0.00002; gnomAD exomes 0.00001 and 0.00002; TOPMed 0.00002.
gnomAD v4.1: 28 of 1,611,002 alleles (0.0017%); highest among the groups gnomAD compares: Non-Finnish European, 0.0023%; no homozygotes.

Submissions (3):

Labcorp Genetics (formerly Invitae), Labcorp
Classification: Uncertain significance for Shprintzen-Goldberg syndrome. Last evaluated: 2025-06-29. Review status: criteria provided, single submitter. Criteria: Invitae Variant Classification Sherloc (09022015). Collection method: clinical testing. Allele origin: germline.
Comment: This sequence change replaces alanine, which is neutral and non-polar, with serine, which is neutral and polar, at codon 298 of the SKI protein (p.Ala298Ser). This variant is present in population databases (rs769113221, gnomAD 0.002%). This variant has not been reported in the literature in individuals affected with SKI-related conditions. ClinVar contains an entry for this variant (Variation ID: 838492). Invitae Evidence Modeling of protein sequence and biophysical properties (such as structural, functional, and spatial information, amino acid conservation, physicochemical variation, residue mobility, and thermodynamic stability) indicates that this missense variant is not expected to disrupt SKI protein function with a negative predictive value of 95%. In summary, the available evidence is currently insufficient to determine the role of this variant in disease. Therefore, it has been classified as a Variant of Uncertain Significance.

GeneDx
Classification: Uncertain significance. Last evaluated: 2024-06-21. Review status: criteria provided, single submitter. Criteria: GeneDx Variant Classification Process June 2021. Collection method: clinical testing. Allele origin: germline. Affected: yes.
Comment: Has not been previously published as pathogenic or benign to our knowledge; In silico analysis indicates that this missense variant does not alter protein structure/function

Ambry Genetics
Classification: Uncertain significance for Familial thoracic aortic aneurysm and aortic dissection. Last evaluated: 2022-11-18. Review status: criteria provided, single submitter. Criteria: Ambry Variant Classification Scheme 2023. Collection method: clinical testing. Allele origin: germline.